The following is an entry in ClinVar:

ClinVar aggregate classification (germline): Uncertain significance (1 of 4 stars; one submission).

Submission:

Labcorp Genetics (formerly Invitae), Labcorp
Classification: Uncertain significance. Last evaluated: 2025-03-10. Review status: criteria provided, single submitter. Criteria: Invitae Variant Classification Sherloc (09022015). Collection method: clinical testing. Allele origin: germline.
Comment: This sequence change replaces glycine, which is neutral and non-polar, with valine, which is neutral and non-polar, at codon 664 of the ITPR1 protein (p.Gly664Val). This variant is not present in population databases (gnomAD no frequency). This variant has not been reported in the literature in individuals affected with ITPR1-related conditions. An algorithm developed to predict the effect of missense changes on protein structure and function (PolyPhen-2) suggests that this variant is likely to be tolerated. In summary, the available evidence is currently insufficient to determine the role of this variant in disease. Therefore, it has been classified as a Variant of Uncertain Significance.

NM_001378452.1(ITPR1):c.2036G>T (p.Gly679Val)

Gene: ITPR1 (inositol 1,4,5-trisphosphate receptor type 1; plus strand). Cytogenetic location: 3p26.1.
Variant type: single nucleotide variant.
Coding change: c.2036G>T on transcript NM_001378452.1 (MANE Select); coding-DNA position 2036, G replaced by T.
Protein change: p.Gly679Val; replaces glycine 679 with valine.
Molecular consequence: missense variant.
Genome position (GRCh38, 1-based): chr3:4,670,758, G>T. VCF-style: chr3-4670758-G-T. GRCh37 (hg19) VCF-style: chr3-4712442-G-T.
Other names: c.2036G>T, p.Gly679Val (NM_001099952.4); c.1991G>T, p.Gly664Val (NM_001168272.2, NM_002222.7); short protein forms G679V, G664V.
Identifiers: ClinVar variation 3686750 (VCV003686750.2).
Genomic context (GRCh38, chr3:4,670,758, plus strand): 5'-GTAACTTTTCCCTCCTCCTCTTGTTTTCTAGGTTGGTTCTTTCTCGTTTTGAATTTGAAG[G>T]TGTCTCTTCCACTGGAGAGAATGCTCTGGAGGCAGGAGAAGACGAGGAAGAGGTGTGGCT-3'
Protein context (NP_001365381.1, residues 669-689): KLVLSRFEFE[Gly679Val]VSSTGENALE